The following is an entry in ClinVar:

ClinVar aggregate classification (germline): Conflicting classifications of pathogenicity. Review status: criteria provided, conflicting classifications (1 of 4 stars). 8 submissions from 8 submitters: Uncertain significance (1); Benign (1); Likely benign (5). 1 of the submissions does not count toward it. Last evaluated 2026-01-20.

Conditions:
VCL-related disorder. Also called: VCL-related condition.
Cardiovascular phenotype. Identifiers: MedGen CN230736.
Dilated cardiomyopathy 1W (CMD1W). Identifiers: Orphanet 154, MedGen C1969639, MONDO:0012667, OMIM 611407.

Allele frequency attached by ClinVar (database versions not stated): ESP Exome Variant Server 0.00008; gnomAD 0.00009; gnomAD exomes 0.00009 and 0.00014; ExAC 0.00012; TOPMed 0.00012.
gnomAD v4.1: 151 of 1,613,904 alleles (0.0094%); highest among the groups gnomAD compares: Admixed American, 0.033%; no homozygotes.

Submissions (8):

Labcorp Genetics (formerly Invitae), Labcorp
Classification: Likely benign for Dilated cardiomyopathy 1W. Last evaluated: 2026-01-20. Review status: criteria provided, single submitter. Criteria: Invitae Variant Classification Sherloc (09022015). Collection method: clinical testing. Allele origin: germline.

Blueprint Genetics
Classification: Likely benign. Last evaluated: 2024-07-08. Review status: criteria provided, single submitter. Criteria: ACMG Guidelines, 2015. Collection method: clinical testing. Allele origin: germline.

Women's Health and Genetics/Laboratory Corporation of America, LabCorp
Classification: Benign. Last evaluated: 2022-04-04. Review status: criteria provided, single submitter. Criteria: LabCorp Variant Classification Summary - May 2015. Collection method: clinical testing. Allele origin: germline.

GeneDx
Classification: Likely benign. Last evaluated: 2021-06-24. Review status: criteria provided, single submitter. Criteria: GeneDx Variant Classification Process June 2021. Collection method: clinical testing. Allele origin: germline. Affected: yes.

Ambry Genetics
Classification: Likely benign for Cardiovascular phenotype. Last evaluated: 2018-12-31. Review status: criteria provided, single submitter. Criteria: Ambry Variant Classification Scheme 2023. Collection method: clinical testing. Allele origin: germline.

Illumina Laboratory Services, Illumina
Classification: Uncertain significance for Dilated cardiomyopathy 1W. Last evaluated: 2018-01-13. Review status: criteria provided, single submitter. Criteria: ICSL Variant Classification Criteria 13 December 2019. Collection method: clinical testing. Allele origin: germline.

Laboratory for Molecular Medicine, Mass General Brigham Personalized Medicine
Classification: Likely benign. Last evaluated: 2012-03-19. Review status: criteria provided, single submitter. Criteria: LMM Criteria. Collection method: clinical testing. Allele origin: germline. Observed: 1 variant allele.
Comment: Ile1022Ile in exon 20 of VCL: This variant is not expected to have clinical sign ificance because it does not alter an amino acid residue, and is not located wit hin the splice consensus sequence. It has been identified in 1/3738 African Amer ican chromosomes from a broad population by the NHLBI Exome Sequencing Project (dbSNP rs138619320). Ile1022Ile in exon 20 of VCL (rs138619320; allele frequency= 1/3738) **

PreventionGenetics, part of Exact Sciences
Classification: Likely benign for VCL-related condition. Last evaluated: 2020-05-11. Review status: no assertion criteria provided. Collection method: clinical testing. Allele origin: germline. Not counted in ClinVar's aggregate classification.
Comment: This variant is classified as likely benign based on ACMG/AMP sequence variant interpretation guidelines (Richards et al. 2015 PMID: 25741868, with internal and published modifications).

NM_014000.3(VCL):c.3066C>T (p.Ile1022=)

Gene: VCL (vinculin; plus strand). Cytogenetic location: 10q22.2.
Variant type: single nucleotide variant.
Coding change: c.3066C>T on transcript NM_014000.3 (MANE Select); coding-DNA position 3066, C replaced by T.
Protein change: p.Ile1022=; no amino-acid change (isoleucine 1022 retained).
Molecular consequence: synonymous variant.
Genome position (GRCh38, 1-based): chr10:74,114,300, C>T. VCF-style: chr10-74114300-C-T. GRCh37 (hg19) VCF-style: chr10-75874058-C-T.
Other names: c.2862C>T, p.Ile954= (NM_003373.4).
Identifiers: ClinVar variation 45604 (VCV000045604.26), dbSNP rs138619320, ClinGen allele CA136767.
Genomic context (GRCh38, chr10:74,114,300, plus strand): 5'-TCGGCTGGTAAGAGGGGGCAGTGGTACCAAGCGGGCACTCATTCAGTGTGCCAAGGACAT[C>T]GCCAAGGCCTCAGATGAGGTGACTCGGTTGGCCAAGGAGGTTGCCAAGCAGTGCACAGAT-3'
Protein context (NP_054706.1, residues 1012-1032): KRALIQCAKD[Ile1022=]AKASDEVTRL